The following is an entry in ClinVar:

ClinVar aggregate classification (germline): Uncertain significance. Review status: criteria provided, multiple submitters, no conflicts (2 of 4 stars). 3 submissions from 3 submitters: Uncertain significance (3). Last evaluated 2022-11-08.

Conditions:
Familial hemiplegic migraine. Identifiers: MedGen C0338484, MONDO:0000700.
Alternating hemiplegia of childhood 1 (AHC1). Identifiers: Orphanet 2131, MedGen C3549447, MONDO:0007087, OMIM 104290.
Migraine, familial hemiplegic, 2. Identifiers: Orphanet 569, MedGen C1865322, MONDO:0011232, OMIM 602481.

Allele frequency attached by ClinVar (database versions not stated): TOPMed below 0.00001; gnomAD 0.00001; gnomAD exomes 0.00001 and 0.00002.
gnomAD v4.1: 26 of 1,614,054 alleles (0.0016%); highest among the groups gnomAD compares: Non-Finnish European, 0.0021%; no homozygotes.

Submissions (3):

Labcorp Genetics (formerly Invitae), Labcorp
Classification: Uncertain significance for Familial hemiplegic migraine. Last evaluated: 2022-11-08. Review status: criteria provided, single submitter. Criteria: Invitae Variant Classification Sherloc (09022015). Collection method: clinical testing. Allele origin: germline.
Comment: This sequence change replaces methionine, which is neutral and non-polar, with threonine, which is neutral and polar, at codon 892 of the ATP1A2 protein (p.Met892Thr). This variant is present in population databases (rs794727222, gnomAD 0.003%). In summary, the available evidence is currently insufficient to determine the role of this variant in disease. Therefore, it has been classified as a Variant of Uncertain Significance. Advanced modeling of protein sequence and biophysical properties (such as structural, functional, and spatial information, amino acid conservation, physicochemical variation, residue mobility, and thermodynamic stability) performed at Invitae indicates that this missense variant is not expected to disrupt ATP1A2 protein function. ClinVar contains an entry for this variant (Variation ID: 194925). This variant has not been reported in the literature in individuals affected with ATP1A2-related conditions.

Fulgent Genetics
Classification: Uncertain significance for Alternating hemiplegia of childhood 1; Migraine, familial hemiplegic, 2. Last evaluated: 2018-10-31. Review status: criteria provided, single submitter. Criteria: ACMG Guidelines, 2015. Collection method: clinical testing. Allele origin: unknown.

Eurofins Ntd Llc (ga)
Classification: Uncertain significance. Last evaluated: 2014-12-30. Review status: criteria provided, single submitter. Criteria: EGL Classification Definitions 2015. Collection method: clinical testing. Allele origin: germline. Observed: 1 variant allele, 1 heterozygote.

NM_000702.4(ATP1A2):c.2675T>C (p.Met892Thr)

Gene: ATP1A2 (ATPase Na+/K+ transporting subunit alpha 2; plus strand). Cytogenetic location: 1q23.2.
Variant type: single nucleotide variant.
Coding change: c.2675T>C on transcript NM_000702.4 (MANE Select); coding-DNA position 2675, T replaced by C.
Protein change: p.Met892Thr; replaces methionine 892 with threonine.
Molecular consequence: missense variant.
Genome position (GRCh38, 1-based): chr1:160,136,681, T>C. VCF-style: chr1-160136681-T-C. GRCh37 (hg19) VCF-style: chr1-160106471-T-C.
Other names: short protein forms M892T.
Identifiers: ClinVar variation 194925 (VCV000194925.11), dbSNP rs794727222, ClinGen allele CA241145.